The following is an entry in ClinVar:

ClinVar aggregate classification (germline): Uncertain significance. Review status: criteria provided, multiple submitters, no conflicts (2 of 4 stars). 2 submissions from 2 submitters: Uncertain significance (2). Last evaluated 2024-10-10.

Conditions:
Hypertrophic cardiomyopathy. Also called: HYPERTROPHIC MYOCARDIOPATHY. Identifiers: Orphanet 217569, MedGen C0007194, MeSH D002312, MONDO:0005045, HP:0001639.
Cardiomyopathy (CMYO). Also called: Cardiomyopathies. Identifiers: Orphanet 167848, MedGen C0878544, MONDO:0004994, HP:0001638. Inheritance: Various modes of inheritance.

Submissions (2):

Labcorp Genetics (formerly Invitae), Labcorp
Classification: Uncertain significance for Hypertrophic cardiomyopathy. Last evaluated: 2024-10-10. Review status: criteria provided, single submitter. Criteria: Invitae Variant Classification Sherloc (09022015). Collection method: clinical testing. Allele origin: germline.
Comment: This sequence change replaces valine, which is neutral and non-polar, with leucine, which is neutral and non-polar, at codon 727 of the MYBPC3 protein (p.Val727Leu). This variant is not present in population databases (gnomAD no frequency). This variant has not been reported in the literature in individuals affected with MYBPC3-related conditions. ClinVar contains an entry for this variant (Variation ID: 925156). An algorithm developed to predict the effect of missense changes on protein structure and function (PolyPhen-2) suggests that this variant is likely to be disruptive. In summary, the available evidence is currently insufficient to determine the role of this variant in disease. Therefore, it has been classified as a Variant of Uncertain Significance.

Color Diagnostics, LLC DBA Color Health
Classification: Uncertain significance for Cardiomyopathy. Last evaluated: 2023-12-05. Review status: criteria provided, single submitter. Criteria: ACMG Guidelines, 2015. Collection method: clinical testing. Allele origin: germline.
Comment: This missense variant replaces valine with leucine at codon 727 of the MYBPC3 protein. Computational prediction tools and conservation analyses are inconclusive regarding the impact of this variant on protein function. Computational splicing tools suggest that this variant may not impact RNA splicing. To our knowledge, functional assays have not been performed for this variant nor has this variant been reported in individuals affected with cardiovascular disorders in the literature. This variant has not been identified in the general population by the Genome Aggregation Database (gnomAD). Available evidence is insufficient to determine the role of this variant in disease conclusively. Therefore, this variant is classified as a Variant of Uncertain Significance.

NM_000256.3(MYBPC3):c.2179G>C (p.Val727Leu)

Gene: MYBPC3 (myosin binding protein C3; minus strand). Cytogenetic location: 11p11.2.
Variant type: single nucleotide variant.
Coding change: c.2179G>C on transcript NM_000256.3 (MANE Select); coding-DNA position 2179, G replaced by C.
Protein change: p.Val727Leu; replaces valine 727 with leucine.
Molecular consequence: missense variant.
Genome position (GRCh38, 1-based): chr11:47,338,649, C>G on the plus strand (G>C on the coding strand, the complement: MYBPC3 is on the minus strand). VCF-style: chr11-47338649-C-G. GRCh37 (hg19) VCF-style: chr11-47360200-C-G.
Other names: short protein forms V727L.
Identifiers: ClinVar variation 925156 (VCV000925156.7), dbSNP rs564378953, ClinGen allele CA380320557.